The following is an entry in ClinVar:

NM_000550.3(TYRP1):c.339C>A (p.Cys113Ter)

Gene: TYRP1 (tyrosinase related protein 1; plus strand). Cytogenetic location: 9p23.
Variant type: single nucleotide variant.
Coding change: c.339C>A on transcript NM_000550.3 (MANE Select); coding-DNA position 339, C replaced by A.
Protein change: p.Cys113Ter; replaces cysteine 113 with a stop codon.
Molecular consequence: nonsense.
Genome position (GRCh38, 1-based): chr9:12,694,335, C>A. VCF-style: chr9-12694335-C-A. GRCh37 (hg19) VCF-style: chr9-12694335-C-A.
Other names: short protein forms C113*.
Identifiers: ClinVar variation 2735260 (VCV002735260.4), dbSNP rs757291528, ClinGen allele CA4985171.
Genomic context (GRCh38, chr9:12,694,335, plus strand): 5'-CTTCTTCAATAGGACATGTCACTGCAACGGCAATTTCTCAGGACACAACTGTGGGACGTG[C>A]CGTCCTGGCTGGAGAGGAGCTGCCTGTGACCAGAGGGTTCTCATAGGTAAGTGGAGATAT-3'

ClinVar aggregate classification (germline): Pathogenic. Review status: criteria provided, multiple submitters, no conflicts (2 of 4 stars). 2 submissions from 2 submitters: Pathogenic (2). Last evaluated 2024-07-02.

Conditions:
TYRP1-related disorder. Also called: TYRP1-related condition.

Allele frequency attached by ClinVar (database versions not stated): gnomAD 0.00002.
gnomAD v4.1: 39 of 1,613,836 alleles (0.0024%); highest among the groups gnomAD compares: Non-Finnish European, 0.0026%; no homozygotes.

Submissions (2):

Blueprint Genetics
Classification: Pathogenic for TYRP1-related disorders. Last evaluated: 2024-07-02. Review status: criteria provided, single submitter. Criteria: ACMG Guidelines, 2015. Collection method: clinical testing. Allele origin: germline. Affected: yes. Observed: 5 variant alleles.

Labcorp Genetics (formerly Invitae), Labcorp
Classification: Pathogenic. Last evaluated: 2024-02-14. Review status: criteria provided, single submitter. Criteria: Invitae Variant Classification Sherloc (09022015). Collection method: clinical testing. Allele origin: germline.
Comment: This sequence change creates a premature translational stop signal (p.Cys113*) in the TYRP1 gene. It is expected to result in an absent or disrupted protein product. Loss-of-function variants in TYRP1 are known to be pathogenic (PMID: 8651291, 9345097). This variant is present in population databases (rs757291528, gnomAD 0.01%). This variant has not been reported in the literature in individuals affected with TYRP1-related conditions. For these reasons, this variant has been classified as Pathogenic.

Literature cited by the submitters: PubMed 8651291 (cited by Labcorp Genetics (formerly Invitae), Labcorp); PubMed 9345097 (cited by Labcorp Genetics (formerly Invitae), Labcorp).